The following is an entry in ClinVar:

ClinVar aggregate classification (germline): Uncertain significance. Review status: reviewed by expert panel (3 of 4 stars). 18 submissions from 15 submitters: Uncertain significance (1). 17 of the submissions do not count toward it. Last evaluated 2020-06-16.

Conditions:
ITGA2B-related disorder. Also called: ITGA2B-related condition; ITGA2B-related disorders.
Fetomaternal alloimmune thrombocytopenia 2. Identifiers: MedGen C6065894, MONDO:0980724, OMIM 621266.
Platelet-type bleeding disorder 16 (BDPLT16). Also called: Bleeding disorder, platelet-type, 16, autosomal dominant. Identifiers: Orphanet 140957, MedGen C5442010, MONDO:0008552, OMIM 187800.
Glanzmann thrombasthenia 1 (GT1). Also called: BLEEDING DISORDER, PLATELET-TYPE, 2; GP IIb-IIIa COMPLEX DEFICIENCY; GLYCOPROTEIN COMPLEX IIb-IIIa DEFICIENCY; PLATELET FIBRINOGEN RECEPTOR DEFICIENCY. Identifiers: MedGen CN300358, MONDO:0031332, OMIM 273800.
Glanzmann thrombasthenia. Also called: Thrombasthenia; THROMBASTHENIA OF GLANZMANN AND NAEGELI; Glanzmann's thrombasthenia; PLATELET GLYCOPROTEIN IIb-IIIa DEFICIENCY. Identifiers: Orphanet 849, MedGen C0040015, MONDO:0100326.
Thrombocytopenia. Identifiers: HP:0001906, MedGen C0040034, MeSH D013921, MONDO:0002049.

gnomAD v4.1: 3 of 1,613,992 alleles (0.00019%); highest among the groups gnomAD compares: Non-Finnish European, 0.00025%; no homozygotes.

Submissions 1 to 11 of 18:

ClinGen Platelet Disorders Variant Curation Expert Panel, ClinGen
Classification: Uncertain significance for Glanzmann thrombasthenia. Last evaluated: 2020-06-16. Review status: reviewed by expert panel. Criteria: ClinGen Platelet ACMG Specifications v2. Collection method: curation. Allele origin: germline. Inheritance: Autosomal recessive inheritance.
Comment: The NM_000419.5:c.3076C>T variant results in the Arg1026Trp missense change. It is absent in population databases and is predicted damaging by in silico tools (REVEL score of 0.897). All the individuals with this variant, reported in the literature, are heterozygous and have macrothrombocytopenia with or without a mild bleeding tendency (PMID: 31119735, 21454453, 31064749). In summary, there is insufficient evidence at this time to classify the Arg1026Trp variant. GT-specific criteria applied: PM2_Supporting, PP3.

PreventionGenetics, part of Exact Sciences
Classification: Pathogenic for ITGA2B-related condition. Last evaluated: 2026-09-04. Review status: criteria provided, single submitter. Criteria: ACMG Guidelines, 2015. Collection method: clinical testing. Allele origin: germline. Not counted in ClinVar's aggregate classification.
Comment: The ITGA2B c.3076C>T variant is predicted to result in the amino acid substitution p.Arg1026Trp. This variant is also described using legacy nomenclature as p.Arg995Trp, has been reported in several unrelated families to be a cause of autosomal dominant macrothrombocytopenia (Kunishima et al. 2011. PubMed ID: 21454453; Khoriaty et al. 2019. PubMed ID: 31119735). Functional studies show that the p.Arg1026Trp variant causes defective platelet activation (Kunishima et al. 2011. PubMed ID: 21454453). An alternate missense change at the same amino acid (p.Arg1026Gln) has also reported in an individual with Glanzmann thrombasthenia (French et al. 1997. PubMed ID: 9215749) suggesting that amino acid residue p.Arg1026 is important for proper ITGA2B function. This variant has not been reported in a large population database, indicating this variant is rare. In summary, the c.3076C>T variant is categorized as pathogenic.

Department of Molecular Genetics, Istishari Arab Hospital
Classification: Likely pathogenic for Platelet-type bleeding disorder 16. Last evaluated: 2026-05-19. Review status: criteria provided, single submitter. Criteria: ACMG Guidelines, 2015. Collection method: clinical testing. Allele origin: germline. Inheritance: Autosomal dominant inheritance. Affected: yes. Not counted in ClinVar's aggregate classification.
Comment: The ITGA2B variant c.3076C>T, p.Arg1026Trp causes an amino acid change from Arg to Trp at position 1026 in exon 30 (out of 30). The variant is observed with very low frequency in the gnomAD v4.1.0 dataset (<0.001). The same nucleotide change resulting in the same amino acid change has been previously reported as pathogenic/likely pathogenic (PMID: 21454453). Different missense changes at the same codon (p.Arg1026Ala, p.Arg1026Gln, p.Arg1026Leu) have been reported as pathogenic/likely pathogenic with strong evidence ( PMID: 12575292). It is classified as likely pathogenic based on ACMG/AMP/ClinGen SVI guidelines.

Labcorp Genetics (formerly Invitae), Labcorp
Classification: Pathogenic for Glanzmann thrombasthenia. Last evaluated: 2026-01-21. Review status: criteria provided, single submitter. Criteria: Invitae Variant Classification Sherloc (09022015). Collection method: clinical testing. Allele origin: germline. Not counted in ClinVar's aggregate classification.
Comment: This sequence change replaces arginine, which is basic and polar, with tryptophan, which is neutral and slightly polar, at codon 1026 of the ITGA2B protein (p.Arg1026Trp). This variant is not present in population databases (gnomAD no frequency). This missense change has been observed in individual(s) with autosomal dominant thrombocytopenia (PMID: 21454453, 29090484, 31119735). It has also been observed to segregate with disease in related individuals. This variant is also known as p.R995W. ClinVar contains an entry for this variant (Variation ID: 50233). Invitae Evidence Modeling of protein sequence and biophysical properties (such as structural, functional, and spatial information, amino acid conservation, physicochemical variation, residue mobility, and thermodynamic stability) indicates that this missense variant is expected to disrupt ITGA2B protein function with a positive predictive value of 95%. Experimental studies have shown that this missense change affects ITGA2B function (PMID: 21454453). For these reasons, this variant has been classified as Pathogenic.

3billion
Classification: Uncertain significance for Platelet-type bleeding disorder 16. Last evaluated: 2025-11-28. Review status: criteria provided, single submitter. Criteria: ACMG Guidelines, 2015. Collection method: clinical testing. Allele origin: germline. Affected: yes. Not counted in ClinVar's aggregate classification.
Comment: The variant is observed at an extremely low frequency in the gnomAD v4.1.0 dataset (total allele frequency: <0.001%). Predicted Consequence/Location: Missense variant In silico tool predictions suggest damaging effect of the variant on gene or gene product [REVEL: 0.90 (>=0.6, sensitivity 0.68 and specificity 0.92); 3Cnet: 0.79 (> 0.75, sensitivity 0.96 and precision 0.92)]. The same nucleotide change resulting in the same amino acid change has been previously reported as pathogenic/likely pathogenic (ClinVar ID: VCV000050233 /PMID: 21454453 /3billion dataset). Different missense changes at the same codon (p.Arg1026Ala, p.Arg1026Gln) have been reported as pathogenic/likely pathogenic (ClinVar ID: VCV000050232 /PMID: 12575292, 9215749). Therefore, this variant is classified as VUS according to the recommendation of ACMG/AMP guideline.

Blueprint Genetics
Classification: Pathogenic for ITGA2B-related disorders. Last evaluated: 2024-10-30. Review status: criteria provided, single submitter. Criteria: ACMG Guidelines, 2015. Collection method: clinical testing. Allele origin: germline. Affected: yes. Observed: 5 variant alleles. Not counted in ClinVar's aggregate classification.

Women's Health and Genetics/Laboratory Corporation of America, LabCorp
Classification: Pathogenic for ITGA2B-Related Disorders. Last evaluated: 2024-04-15. Review status: criteria provided, single submitter. Criteria: LabCorp Variant Classification Summary - May 2015. Collection method: clinical testing. Allele origin: germline. Not counted in ClinVar's aggregate classification.
Comment: Variant summary: ITGA2B c.3076C>T (p.Arg1026Trp) results in a non-conservative amino acid change in the encoded protein sequence. Five of five in-silico tools predict a damaging effect of the variant on protein function. The variant was absent in 251260 control chromosomes. c.3076C>T has been reported in the literature in multiple individuals affected with macrothrombocytopenia (Kunishima_2011). These data indicate that the variant is very likely to be associated with disease. At least one publication reports experimental evidence evaluating an impact on protein function and showed that the variant leads to constitutive activation, membrane ruffling, abnormal cytoplasmic protrusions, and defective proplatelet formation (Kunishima_2011). In addition, knock-in mice with this variant developed macrothrombocytopenia, which was primarily attributed to impaired proplatelet formation (Akuta_2020). The following publications have been ascertained in the context of this evaluation (PMID: 31691484, 21454453). In ClinVar contains an entry for this variant (Variation ID: 50233). Based on the evidence outlined above, the variant was classified as pathogenic.

Baylor Genetics
Classification: Pathogenic for Platelet-type bleeding disorder 16. Last evaluated: 2022-07-28. Review status: criteria provided, single submitter. Criteria: ACMG Guidelines, 2015. Collection method: clinical testing. Allele origin: unknown. Not counted in ClinVar's aggregate classification.

Baylor Genetics
Classification: Pathogenic for Glanzmann thrombasthenia 1. Last evaluated: 2022-07-28. Review status: criteria provided, single submitter. Criteria: ACMG Guidelines, 2015. Collection method: clinical testing. Allele origin: unknown. Not counted in ClinVar's aggregate classification.

Baylor Genetics
Classification: Pathogenic for Glanzmann thrombasthenia 1. Last evaluated: 2018-11-23. Review status: criteria provided, single submitter. Criteria: ACMG Guidelines, 2015. Collection method: clinical testing. Allele origin: maternal. Affected: yes. Not counted in ClinVar's aggregate classification.
Comment: This variant was determined to be pathogenic according to ACMG Guidelines, 2015 [PMID:25741868]. This variant has been previously reported as disease-causing in multiple individuals [PMID 21454453, 29090484]

Genetic Services Laboratory, University of Chicago
Classification: Pathogenic. Last evaluated: 2017-09-15. Review status: criteria provided, single submitter. Criteria: ACMG Guidelines, 2015. Collection method: clinical testing. Allele origin: germline. Affected: yes. Not counted in ClinVar's aggregate classification.

NM_000419.5(ITGA2B):c.3076C>T (p.Arg1026Trp)

Gene: ITGA2B (integrin subunit alpha 2b; minus strand). Cytogenetic location: 17q21.31.
Variant type: single nucleotide variant.
Coding change: c.3076C>T on transcript NM_000419.5 (MANE Select); coding-DNA position 3076, C replaced by T.
Protein change: p.Arg1026Trp; replaces arginine 1026 with tryptophan.
Molecular consequence: missense variant.
Genome position (GRCh38, 1-based): chr17:44,372,408, G>A on the plus strand (C>T on the coding strand, the complement: ITGA2B is on the minus strand). VCF-style: chr17-44372408-G-A. GRCh37 (hg19) VCF-style: chr17-42449776-G-A.
Other names: R995W; c.3076C>T (LRG_479t1); short protein forms R1026W.
Identifiers: ClinVar variation 50233 (VCV000050233.35), dbSNP rs766503255, ClinGen allele CA10575573.